The following is an entry in ClinVar:

NM_001127511.3(APC):c.165+20065C>A

Gene: APC (APC regulator of Wnt signaling pathway; plus strand). Cytogenetic location: 5q22.2.
Variant type: single nucleotide variant.
Coding change: c.165+20065C>A on transcript NM_001127511.3; 20065 bases into the intron after coding-DNA position 165, C replaced by A.
Molecular consequence: intron variant.
Genome position (GRCh38, 1-based): chr5:112,727,947, C>A. VCF-style: chr5-112727947-C-A. GRCh37 (hg19) VCF-style: chr5-112063644-C-A.
Other names: c.-1054+20065C>A (NM_001407470.1, NM_001407472.1); c.-19+20065C>A (NM_001407447.1, NM_001354895.2, NM_001407456.1 and 3 more transcripts); c.165+20065C>A (NM_001407446.1, NM_001354897.2, NM_001354902.2); c.-19+20298C>A (NM_001407448.1, NM_001407450.1, NM_001407457.1 and 1 more transcripts); c.-43+20298C>A (NM_001407453.1).
Identifiers: ClinVar variation 82700 (VCV000082700.4), dbSNP rs78034483, ClinGen allele CA023470.
Genomic context (GRCh38, chr5:112,727,947, plus strand): 5'-AATTGAAGAAGACATACTTAAATATACAGGCAAGCATAAAACCTTGTTTTAAACATTTAA[C>A]TTAAAAAAAAAAATCAGAATTTTATCCCTCCATAGGAAAGGATAGTTTAAAATGAGCATG-3'

ClinVar aggregate classification (germline): other (0 of 4 stars; one submission).

Conditions:
Familial colorectal cancer. Identifiers: MedGen CN280943, MONDO:0023113. Disease mechanism: loss of function.

Submission:

Systems Biology Platform Zhejiang California International NanoSystems Institute
Classification: other for Familial colorectal cancer. Review status: no assertion criteria provided. Collection method: not provided. Allele origin: unknown.
ClinVar note: Converted during submission from cancer to other.